The following is an entry in ClinVar:

ClinVar aggregate classification (germline): Likely pathogenic (1 of 4 stars; one submission).

Conditions:
Wilson disease (WND). Also called: Wilson's disease. Identifiers: Orphanet 905, MedGen C0019202, MONDO:0010200, OMIM 277900. Disease mechanism: loss of function.

Submission:

Division of Genomic Medicine, Department of Advanced Medicine, Medical Research Institute, Kanazawa Medical University
Classification: Likely pathogenic for Wilson disease. Last evaluated: 2021-03-19. Review status: criteria provided, single submitter. Criteria: ACMG Guidelines, 2015. Collection method: clinical testing. Allele origin: germline. Affected: yes. Observed: 1 variant allele.
Comment: c.1841G>A is absent from controls (PM1) and multiple lines of computational evidence support a deleterious effect (PP3). As two moderate and two supportive evidences, it is judged to be Likely pathogenic according to ACMG Guidelines, 2015.

NM_000053.4(ATP7B):c.1841G>A (p.Gly614Asp)

Gene: ATP7B (ATPase copper transporting beta; minus strand). Cytogenetic location: 13q14.3.
Variant type: single nucleotide variant.
Coding change: c.1841G>A on transcript NM_000053.4 (MANE Select); coding-DNA position 1841, G replaced by A.
Protein change: p.Gly614Asp; replaces glycine 614 with aspartic acid.
Molecular consequence: missense variant.
Genome position (GRCh38, 1-based): chr13:51,964,900, C>T on the plus strand (G>A on the coding strand, the complement: ATP7B is on the minus strand). VCF-style: chr13-51964900-C-T. GRCh37 (hg19) VCF-style: chr13-52539036-C-T.
Other names: c.1841G>A, p.Gly614Asp (NM_001005918.3, NM_001330578.2, NM_001330579.2); c.1508G>A, p.Gly503Asp (NM_001243182.2); short protein forms G503D, G614D.
Identifiers: ClinVar variation 996060 (VCV000996060.2), dbSNP rs1951465769, ClinGen allele CA388030081.